The following is an entry in ClinVar:

NM_001433706.1(NLRP8):c.2713A>C (p.Lys905Gln)

Gene: NLRP8 (NLR family pyrin domain containing 8; plus strand). Cytogenetic location: 19q13.43.
Variant type: single nucleotide variant.
Coding change: c.2713A>C on transcript NM_001433706.1 (MANE Select); coding-DNA position 2713, A replaced by C.
Protein change: p.Lys905Gln; replaces lysine 905 with glutamine.
Molecular consequence: missense variant.
Genome position (GRCh38, 1-based): chr19:55,976,140, A>C. VCF-style: chr19-55976140-A-C. GRCh37 (hg19) VCF-style: chr19-56487506-A-C.
Other names: NM_176811.2:c.2713A>C; c.2656A>C, p.Lys886Gln (NM_001317000.1); short protein forms K905Q, K886Q.
Identifiers: ClinVar variation 3200719 (VCV003200719.2), dbSNP rs755953973, ClinGen allele CA9684878.

ClinVar aggregate classification (germline): Uncertain significance (1 of 4 stars; one submission).

Allele frequency attached by ClinVar (database versions not stated): gnomAD 0.00001; ExAC 0.00002; TOPMed 0.00003.
gnomAD v4.1: 4 of 1,599,088 alleles (0.00025%); highest among the groups gnomAD compares: East Asian, 0.0068%; no homozygotes.

Submission:

Ambry Genetics
Classification: Uncertain significance. Last evaluated: 2026-05-19. Review status: criteria provided, single submitter. Criteria: Ambry Variant Classification Scheme 2023. Collection method: clinical testing. Allele origin: germline.
Comment: The c.2713A>C (p.K905Q) alteration is located in exon 8 (coding exon 8) of the NLRP8 gene. This alteration results from a A to C substitution at nucleotide position 2713, causing the lysine (K) at amino acid position 905 to be replaced by a glutamine (Q). Based on data from gnomAD, the C allele has an overall frequency of 0.001% (3/238154) total alleles studied. The highest observed frequency was 0.017% (3/17396) of East Asian alleles. Based on insufficient or conflicting evidence, the clinical significance of this alteration remains unclear.